The following is an entry in ClinVar:

NM_001278512.2(AP3B2):c.67G>A (p.Gly23Ser)

Genes: AP3B2 (adaptor related protein complex 3 subunit beta 2; minus strand), LOC130057772 (ATAC-STARR-seq lymphoblastoid silent region 6752; plus strand). Cytogenetic location: 15q25.2.
Variant type: single nucleotide variant.
Coding change: c.67G>A on transcript NM_001278512.2 (MANE Select); coding-DNA position 67, G replaced by A.
Protein change: p.Gly23Ser; replaces glycine 23 with serine.
Molecular consequence: missense variant.
Genome position (GRCh38, 1-based): chr15:82,709,640, C>T on the plus strand (G>A on the coding strand, the complement: AP3B2 is on the minus strand). VCF-style: chr15-82709640-C-T. GRCh37 (hg19) VCF-style: chr15-83378392-C-T.
Other names: c.67G>A (NM_004644.3); c.67G>A, p.Gly23Ser (NM_001278511.2, NM_001348440.2, NM_004644.5); short protein forms G23S.
Identifiers: ClinVar variation 2126952 (VCV002126952.5), dbSNP rs1031101674, ClinGen allele CA273472536.

ClinVar aggregate classification (germline): Uncertain significance. Review status: criteria provided, multiple submitters, no conflicts (2 of 4 stars). 2 submissions from 2 submitters: Uncertain significance (2). Last evaluated 2025-08-29.

Conditions:
Inborn genetic diseases. Identifiers: MedGen C0950123, MeSH D030342.

gnomAD v4.1: 41 of 1,521,362 alleles (0.0027%); highest among the groups gnomAD compares: Non-Finnish European, 0.0036%; no homozygotes.

Submissions (2):

Ambry Genetics
Classification: Uncertain significance for Inborn genetic diseases. Last evaluated: 2025-08-29. Review status: criteria provided, single submitter. Criteria: Ambry Variant Classification Scheme 2023. Collection method: clinical testing. Allele origin: germline.

Labcorp Genetics (formerly Invitae), Labcorp
Classification: Uncertain significance. Last evaluated: 2022-08-19. Review status: criteria provided, single submitter. Criteria: Invitae Variant Classification Sherloc (09022015). Collection method: clinical testing. Allele origin: germline.
Comment: Algorithms developed to predict the effect of missense changes on protein structure and function (SIFT, PolyPhen-2, Align-GVGD) all suggest that this variant is likely to be tolerated. This variant has not been reported in the literature in individuals affected with AP3B2-related conditions. In summary, the available evidence is currently insufficient to determine the role of this variant in disease. Therefore, it has been classified as a Variant of Uncertain Significance. This variant is not present in population databases (gnomAD no frequency). This sequence change replaces glycine, which is neutral and non-polar, with serine, which is neutral and polar, at codon 23 of the AP3B2 protein (p.Gly23Ser).